The following is an entry in ClinVar:

ClinVar aggregate classification (germline): Uncertain significance. Review status: criteria provided, multiple submitters, no conflicts (2 of 4 stars). 2 submissions from 2 submitters: Uncertain significance (2). Last evaluated 2026-06-25.

Conditions:
Inborn genetic diseases. Identifiers: MedGen C0950123, MeSH D030342.

Submissions (2):

Ambry Genetics
Classification: Uncertain significance for Inborn genetic diseases. Last evaluated: 2026-06-25. Review status: criteria provided, single submitter. Criteria: Ambry Variant Classification Scheme 2023. Collection method: clinical testing. Allele origin: germline.
Comment: The c.5870G>A (p.C1957Y) alteration is located in exon 26 (coding exon 26) of the MED13 gene. This alteration results from a G to A substitution at nucleotide position 5870, causing the cysteine (C) at amino acid position 1957 to be replaced by a tyrosine (Y). This variant was not reported in population-based cohorts in the Genome Aggregation Database (gnomAD). This amino acid position is highly conserved in available vertebrate species. This alteration is predicted to be deleterious by in silico analysis. Based on insufficient or conflicting evidence, the clinical significance of this alteration remains unclear.

GeneDx
Classification: Uncertain significance. Last evaluated: 2021-03-08. Review status: criteria provided, single submitter. Criteria: GeneDx Variant Classification Process June 2021. Collection method: clinical testing. Allele origin: germline. Affected: yes.
Comment: Not observed in large population cohorts (Lek et al., 2016); In silico analysis supports that this missense variant has a deleterious effect on protein structure/function; Has not been previously published as pathogenic or benign to our knowledge

NM_005121.3(MED13):c.5870G>A (p.Cys1957Tyr)

Gene: MED13 (mediator complex subunit 13; minus strand). Cytogenetic location: 17q23.2.
Variant type: single nucleotide variant.
Coding change: c.5870G>A on transcript NM_005121.3 (MANE Select); coding-DNA position 5870, G replaced by A.
Protein change: p.Cys1957Tyr; replaces cysteine 1957 with tyrosine.
Molecular consequence: missense variant.
Genome position (GRCh38, 1-based): chr17:61,955,480, C>T on the plus strand (G>A on the coding strand, the complement: MED13 is on the minus strand). VCF-style: chr17-61955480-C-T. GRCh37 (hg19) VCF-style: chr17-60032841-C-T.
Other names: short protein forms C1957Y.
Identifiers: ClinVar variation 1303323 (VCV001303323.3), dbSNP rs2143309302, ClinGen allele CA400503518.
Genomic context (GRCh38, chr17:61,955,480, plus strand): 5'-GTATAAGTAGCTGAAGCTACTTGCACAGAAGCAGAAGTAGGAAACACAAGTATATGAGTA[C>T]ATGATGTATCCTGTGGGGTATTTAGCTGAGATGTCTGCATATTTAGAGTCGTGCTTCTTC-3'
Protein context (NP_005112.2, residues 1947-1967): SQLNTPQDTS[Cys1957Tyr]THILVFPTSA